The following is an entry in ClinVar:

NM_005045.4(RELN):c.8146G>A (p.Asp2716Asn)

Genes: SLC26A5-AS1 (SLC26A5 antisense RNA 1; plus strand), RELN (reelin; minus strand). Cytogenetic location: 7q22.1.
Variant type: single nucleotide variant.
Coding change: c.8146G>A on transcript NM_005045.4 (MANE Select); coding-DNA position 8146, G replaced by A.
Protein change: p.Asp2716Asn; replaces aspartic acid 2716 with asparagine.
Molecular consequence: missense variant.
Genome position (GRCh38, 1-based): chr7:103,510,979, C>T on the plus strand (G>A on the coding strand, the complement: RELN is on the minus strand). VCF-style: chr7-103510979-C-T. GRCh37 (hg19) VCF-style: chr7-103151426-C-T.
Other names: c.8146G>A, p.Asp2716Asn (NM_173054.3); short protein forms D2716N.
Identifiers: ClinVar variation 542586 (VCV000542586.11), dbSNP rs771804551, ClinGen allele CA4420542.
Genomic context (GRCh38, chr7:103,510,979, plus strand): 5'-CATGACTGCCACAGAGCATCACACCATCAGGGGAGTCACAGAATCTTTCTACTGTACAAT[C>T]ATCATGGAATAGCCAGTGCTCATTCACTTAAAACAAAAAAACAAAATTTTATGACAAATT-3'
Protein context (NP_005036.2, residues 2706-2726): SVNEHWLFHD[Asp2716Asn]CTVERFCDSP

ClinVar aggregate classification (germline): Conflicting classifications of pathogenicity. Review status: criteria provided, conflicting classifications (1 of 4 stars). 2 submissions from 2 submitters: Uncertain significance (1); Likely benign (1). Last evaluated 2025-09-08.

Conditions:
Familial temporal lobe epilepsy 7. Identifiers: Orphanet 101046, MedGen C4225327, MONDO:0014639, OMIM 616436.
Norman-Roberts syndrome (LIS2). Also called: Lissencephaly 2 (Norman-Roberts type). Identifiers: Orphanet 89844, MedGen C0796089, MONDO:0009760, OMIM 257320.

Allele frequency attached by ClinVar (database versions not stated): gnomAD 0.00001; gnomAD exomes 0.00001; TOPMed 0.00001; ExAC 0.00002.
gnomAD v4.1: 15 of 1,613,596 alleles (0.00093%); highest among the groups gnomAD compares: African/African-American, 0.0013%; no homozygotes.

Submissions (2):

Labcorp Genetics (formerly Invitae), Labcorp
Classification: Likely benign for Familial temporal lobe epilepsy 7; Norman-Roberts syndrome. Last evaluated: 2025-09-08. Review status: criteria provided, single submitter. Criteria: Invitae Variant Classification Sherloc (09022015). Collection method: clinical testing. Allele origin: germline.

GeneDx
Classification: Uncertain significance. Last evaluated: 2024-04-11. Review status: criteria provided, single submitter. Criteria: GeneDx Variant Classification Process June 2021. Collection method: clinical testing. Allele origin: germline. Affected: yes.
Comment: Not observed at significant frequency in large population cohorts (gnomAD); In silico analysis indicates that this missense variant does not alter protein structure/function; Has not been previously published as pathogenic or benign to our knowledge